The following is an entry in ClinVar:

ClinVar aggregate classification (germline): Uncertain significance (1 of 4 stars; one submission).

Conditions:
Inborn genetic diseases. Identifiers: MedGen C0950123, MeSH D030342.

Submission:

Ambry Genetics
Classification: Uncertain significance for Inborn genetic diseases. Last evaluated: 2026-08-23. Review status: criteria provided, single submitter. Criteria: Ambry Variant Classification Scheme 2023. Collection method: clinical testing. Allele origin: germline.
Comment: The p.A228V variant (also known as c.683C>T), located in coding exon 6 of the BUB1B gene, results from a C to T substitution at nucleotide position 683. The alanine at codon 228 is replaced by valine, an amino acid with similar properties. This amino acid position is conserved. In addition, this alteration is predicted to be tolerated by in silico analysis. Based on the available evidence, the clinical significance of this variant remains unclear.

NM_001211.6(BUB1B):c.683C>T (p.Ala228Val)

Gene: BUB1B (BUB1 mitotic checkpoint serine/threonine kinase B; plus strand). Cytogenetic location: 15q15.1.
Variant type: single nucleotide variant.
Coding change: c.683C>T on transcript NM_001211.6 (MANE Select); coding-DNA position 683, C replaced by T.
Protein change: p.Ala228Val; replaces alanine 228 with valine.
Molecular consequence: missense variant.
Genome position (GRCh38, 1-based): chr15:40,183,815, C>T. VCF-style: chr15-40183815-C-T. GRCh37 (hg19) VCF-style: chr15-40476016-C-T.
Other names: short protein forms A228V.
Identifiers: ClinVar variation 5033541 (VCV005033541.1).
Genomic context (GRCh38, chr15:40,183,815, plus strand): 5'-TTGAGAAAGAAGAAGAGGAGGAAGTTTTTGAGTCTTCTGTACCACAACGAAGCACACTAG[C>T]TGAACTAAAGAGCAAAGGGAAAAAGACAGCAAGAGCTCCAATCATCCGTGTAGGAGGTGC-3'
Protein context (NP_001202.5, residues 218-238): ESSVPQRSTL[Ala228Val]ELKSKGKKTA